The following is an entry in ClinVar:

NM_016169.4(SUFU):c.529A>G (p.Met177Val)

Gene: SUFU (SUFU negative regulator of hedgehog signaling; plus strand). Cytogenetic location: 10q24.32.
Variant type: single nucleotide variant.
Coding change: c.529A>G on transcript NM_016169.4 (MANE Select); coding-DNA position 529, A replaced by G.
Protein change: p.Met177Val; replaces methionine 177 with valine.
Molecular consequence: missense variant.
Genome position (GRCh38, 1-based): chr10:102,592,656, A>G. VCF-style: chr10-102592656-A-G. GRCh37 (hg19) VCF-style: chr10-104352413-A-G.
Other names: c.529A>G, p.Met177Val (NM_001178133.2); short protein forms M177V.
Identifiers: ClinVar variation 453966 (VCV000453966.23), dbSNP rs758672583, ClinGen allele CA5667704.

ClinVar aggregate classification (germline): Conflicting classifications of pathogenicity. Review status: criteria provided, conflicting classifications (1 of 4 stars). 7 submissions from 7 submitters: Uncertain significance (5); Likely benign (1). 1 of the submissions does not count toward it. Last evaluated 2025-12-29.

Conditions:
Medulloblastoma (MDB). Also called: Medulloblastoma, somatic; MEDULLOBLASTOMA PREDISPOSITION SYNDROME. Identifiers: Orphanet 616, MedGen C0025149, MeSH D008527, MONDO:0007959, OMIM 155255, HP:0002885.
Familial meningioma. Also called: Meningioma, familial, susceptibility to. Identifiers: Orphanet 263662, MedGen C3551915, MONDO:0011789, OMIM 607174.
Joubert syndrome 32 (JBTS32). Identifiers: MedGen C4540342, MONDO:0033309, OMIM 617757.
Basal cell nevus syndrome 2 (BCNS2). Also called: NEVOID BASAL CELL CARCINOMA SYNDROME 2. Identifiers: MedGen C5830451, MONDO:0958189, OMIM 620343.
Gorlin syndrome. Also called: Basal cell nevus syndrome; Nevoid Basal Cell Carcinoma Syndrome. Identifiers: Orphanet 377, MedGen C0004779, MONDO:0007187.
Hereditary cancer-predisposing syndrome. Also called: Hereditary Cancer Syndrome; Hereditary neoplastic syndrome; Tumor predisposition; Neoplastic Syndromes, Hereditary. Identifiers: Orphanet 140162, MedGen C0027672, MeSH D009386, MONDO:0015356.

Allele frequency attached by ClinVar (database versions not stated): gnomAD 0.00001; TOPMed 0.00001; ExAC 0.00003; gnomAD exomes 0.00003 and 0.00004.

Submissions (7):

Center for Genomic Medicine, Rigshospitalet, Copenhagen University Hospital
Classification: Uncertain significance. Last evaluated: 2025-12-29. Review status: criteria provided, single submitter. Criteria: ACMG Guidelines, 2015. Collection method: clinical testing. Allele origin: germline.

Labcorp Genetics (formerly Invitae), Labcorp
Classification: Uncertain significance for Gorlin syndrome; Medulloblastoma. Last evaluated: 2025-11-17. Review status: criteria provided, single submitter. Criteria: Invitae Variant Classification Sherloc (09022015). Collection method: clinical testing. Allele origin: germline.
Comment: This sequence change replaces methionine, which is neutral and non-polar, with valine, which is neutral and non-polar, at codon 177 of the SUFU protein (p.Met177Val). This variant is present in population databases (rs758672583, gnomAD 0.006%). This variant has not been reported in the literature in individuals affected with SUFU-related conditions. ClinVar contains an entry for this variant (Variation ID: 453966). Invitae Evidence Modeling of protein sequence and biophysical properties (such as structural, functional, and spatial information, amino acid conservation, physicochemical variation, residue mobility, and thermodynamic stability) has been performed for this missense variant. However, the output from this modeling did not meet the statistical confidence thresholds required to predict the impact of this variant on SUFU protein function. In summary, the available evidence is currently insufficient to determine the role of this variant in disease. Therefore, it has been classified as a Variant of Uncertain Significance.

GeneDx
Classification: Uncertain significance. Last evaluated: 2024-11-13. Review status: criteria provided, single submitter. Criteria: GeneDx Variant Classification Process June 2021. Collection method: clinical testing. Allele origin: germline. Affected: yes.
Comment: In silico analysis supports that this missense variant has a deleterious effect on protein structure/function; Has not been previously published as pathogenic or benign to our knowledge; This variant is associated with the following publications: (PMID: 24311597)

Fulgent Genetics
Classification: Uncertain significance for Medulloblastoma; Familial meningioma; Joubert syndrome 32; Basal cell nevus syndrome 2. Last evaluated: 2024-03-17. Review status: criteria provided, single submitter. Criteria: ACMG Guidelines, 2015. Collection method: clinical testing. Allele origin: germline.

Ambry Genetics
Classification: Likely benign for Hereditary cancer-predisposing syndrome. Last evaluated: 2023-02-08. Review status: criteria provided, single submitter. Criteria: Ambry Variant Classification Scheme 2023. Collection method: clinical testing. Allele origin: germline.

Illumina Laboratory Services, Illumina
Classification: Uncertain significance for Medulloblastoma. Last evaluated: 2018-01-13. Review status: criteria provided, single submitter. Criteria: ICSL Variant Classification Criteria 13 December 2019. Collection method: clinical testing. Allele origin: germline.

Genetic Services Laboratory, University of Chicago
Classification: Uncertain significance. Last evaluated: 2022-11-07. Review status: no assertion criteria provided. Collection method: clinical testing. Allele origin: germline. Affected: no. Not counted in ClinVar's aggregate classification.
Comment: DNA sequence analysis of the SUFU gene demonstrated a sequence change, c.529A>G, in exon 4 that results in an amino acid change, p.Met177Val. This sequence change does not appear to have been previously described in individuals with SUFU-related disorders. This sequence change has been described in the gnomAD database with a frequency of 0.0028% in the overall population (dbSNP rs758672583). The p.Met177Val change affects a highly conserved amino acid residue located in a domain of the SUFU protein that is known to be functional. In-silico pathogenicity prediction tools (SIFT, PolyPhen2, Align GVGD, REVEL) provide contradictory results for the p.Met177Val substitution. Due to insufficient evidences and the lack of functional studies, the clinical significance of the p.Met177Val change remains unknown at this time.